The following is an entry in ClinVar:

NM_004006.3(DMD):c.4043A>G (p.Asn1348Ser)

Gene: DMD (dystrophin; minus strand). Cytogenetic location: Xp21.1.
Variant type: single nucleotide variant.
Coding change: c.4043A>G on transcript NM_004006.3 (MANE Select); coding-DNA position 4043, A replaced by G.
Protein change: p.Asn1348Ser; replaces asparagine 1348 with serine.
Molecular consequence: missense variant.
Genome position (GRCh38, 1-based): chrX:32,438,269, T>C on the plus strand (A>G on the coding strand, the complement: DMD is on the minus strand). VCF-style: chrX-32438269-T-C. GRCh37 (hg19) VCF-style: chrX-32456386-T-C.
Other names: c.4019A>G, p.Asn1340Ser (NM_000109.4); c.4031A>G, p.Asn1344Ser (NM_004009.3); c.3674A>G, p.Asn1225Ser (NM_004010.3); short protein forms N1225S, N1340S, N1344S, N1348S.
Identifiers: ClinVar variation 4800971 (VCV004800971.1).
Genomic context (GRCh38, chrX:32,438,269, plus strand): 5'-AGATTAAAGAGATTTTTCACTTATCTTCATACCTCTTCATGTAGTTCCCTCCAACGAGAA[T>C]TAAATGTCTCAAGTTCCTCATTGATTAGCTCATCCATGACTCCGCCATCTGTTAGGGTCT-3'
Protein context (NP_003997.2, residues 1338-1358): ELINEELETF[Asn1348Ser]SRWRELHEEA

ClinVar aggregate classification (germline): Uncertain significance (1 of 4 stars; one submission).

Conditions:
Duchenne muscular dystrophy (DMD). Also called: Duchenne Muscular Dystrophy (DMD); MUSCULAR DYSTROPHY, PSEUDOHYPERTROPHIC PROGRESSIVE, DUCHENNE TYPE. Identifiers: Orphanet 98896, MedGen C0013264, MONDO:0010679, OMIM 310200.

gnomAD v4.1: 1 of 1,211,563 alleles (0.000083%); highest among the groups gnomAD compares: Non-Finnish European, 0.00011%; no homozygotes.

Submission:

Labcorp Genetics (formerly Invitae), Labcorp
Classification: Uncertain significance for Duchenne muscular dystrophy. Last evaluated: 2025-09-28. Review status: criteria provided, single submitter. Criteria: Invitae Variant Classification Sherloc (09022015). Collection method: clinical testing. Allele origin: germline.
Comment: This sequence change replaces asparagine, which is neutral and polar, with serine, which is neutral and polar, at codon 1348 of the DMD protein (p.Asn1348Ser). This variant is not present in population databases (gnomAD no frequency). This variant has not been reported in the literature in individuals affected with DMD-related conditions. Invitae Evidence Modeling of protein sequence and biophysical properties (such as structural, functional, and spatial information, amino acid conservation, physicochemical variation, residue mobility, and thermodynamic stability) indicates that this missense variant is not expected to disrupt DMD protein function with a negative predictive value of 95%. In summary, the available evidence is currently insufficient to determine the role of this variant in disease. Therefore, it has been classified as a Variant of Uncertain Significance.